The following is an entry in ClinVar:

ClinVar aggregate classification (germline): Uncertain significance (1 of 4 stars; one submission).

Submission:

Labcorp Genetics (formerly Invitae), Labcorp
Classification: Uncertain significance. Last evaluated: 2024-03-18. Review status: criteria provided, single submitter. Criteria: Invitae Variant Classification Sherloc (09022015). Collection method: clinical testing. Allele origin: germline.
Comment: This sequence change replaces glutamic acid, which is acidic and polar, with alanine, which is neutral and non-polar, at codon 597 of the NEFH protein (p.Glu597Ala). This variant is not present in population databases (gnomAD no frequency). This variant has not been reported in the literature in individuals affected with NEFH-related conditions. Advanced modeling of protein sequence and biophysical properties (such as structural, functional, and spatial information, amino acid conservation, physicochemical variation, residue mobility, and thermodynamic stability) performed at Invitae indicates that this missense variant is not expected to disrupt NEFH protein function with a negative predictive value of 95%. In summary, the available evidence is currently insufficient to determine the role of this variant in disease. Therefore, it has been classified as a Variant of Uncertain Significance.

NM_021076.4(NEFH):c.1790A>C (p.Glu597Ala)

Gene: NEFH (neurofilament heavy chain; plus strand). Cytogenetic location: 22q12.2.
Variant type: single nucleotide variant.
Coding change: c.1790A>C on transcript NM_021076.4 (MANE Select); coding-DNA position 1790, A replaced by C.
Protein change: p.Glu597Ala; replaces glutamic acid 597 with alanine.
Molecular consequence: missense variant.
Genome position (GRCh38, 1-based): chr22:29,489,430, A>C. VCF-style: chr22-29489430-A-C. GRCh37 (hg19) VCF-style: chr22-29885419-A-C.
Other names: short protein forms E597A.
Identifiers: ClinVar variation 3637755 (VCV003637755.2).